The following is an entry in ClinVar:

NM_003114.5(SPAG1):c.1834_1848del (p.His612_Gly616del)

Gene: SPAG1 (sperm associated antigen 1; plus strand). Cytogenetic location: 8q22.2.
Variant type: Deletion.
Coding change: c.1834_1848del on transcript NM_003114.5 (MANE Select); coding-DNA positions 1834 to 1848, 15 bases deleted (CATCGCCAGCAGGGC).
Protein change: p.His612_Gly616del.
Molecular consequence: inframe deletion.
Genome position (GRCh38, 1-based): chr8:100,225,318-100,225,332, CATCGCCAGCAGGGC deleted; deleting any 15 consecutive bases within chr8:100,225,316-100,225,332 gives the same sequence; the c. name uses the placement nearest the transcript's 3' end. VCF-style (leftmost placement, unchanged base first): chr8-100225315-AGCCATCGCCAGCAGG-A. GRCh37 (hg19) VCF-style: chr8-101237543-AGCCATCGCCAGCAGG-A.
Other names: c.1834_1848del, p.His612_Gly616del (NM_001374321.1, NM_172218.3).
Identifiers: ClinVar variation 4884122 (VCV004884122.2).

ClinVar aggregate classification (germline): Uncertain significance (1 of 4 stars; one submission).

Submission:

Dasa
Classification: Uncertain significance. Last evaluated: 2025-02-02. Review status: criteria provided, single submitter. Criteria: DASA Assertion Criteria. Collection method: clinical testing. Allele origin: germline.
Comment: NM_003114.5(SPAG1):c.1834_1848del (p.His612_Gly616del) is an in-frame deletion predicted to remove amino acids from histidine at protein position 612 through glycine at protein position 616 without shifting the reading frame. This variant has been observed in affected individuals with SPAG1-related disorders. Also, this variant is rare in population databases. The currently available literature and clinical evidence are not sufficient to establish a definitive association between this variant and the reported condition. Therefore, this variant is classified as a variant of uncertain significance.